The following is an entry in ClinVar:

ClinVar aggregate classification (germline): Uncertain significance. Review status: criteria provided, multiple submitters, no conflicts (2 of 4 stars). 2 submissions from 2 submitters: Uncertain significance (2). Last evaluated 2025-02-08.

Conditions:
Inborn genetic diseases. Identifiers: MedGen C0950123, MeSH D030342.
Mosaic variegated aneuploidy syndrome 1 (MVA1). Also called: Warburton-Anyane-Yeboa syndrome. Identifiers: Orphanet 1052, MedGen C1850343, MONDO:0009759, OMIM 257300.

Allele frequency attached by ClinVar (database versions not stated): gnomAD exomes below 0.00001.
gnomAD v4.1: 1 of 1,614,138 alleles (0.000062%); highest among the groups gnomAD compares: Non-Finnish European, 0.000085%; no homozygotes.

Submissions (2):

Ambry Genetics
Classification: Uncertain significance for Inborn genetic diseases. Last evaluated: 2025-02-08. Review status: criteria provided, single submitter. Criteria: Ambry Variant Classification Scheme 2023. Collection method: clinical testing. Allele origin: germline.
Comment: The p.K233N variant (also known as c.699A>C), located in coding exon 6 of the BUB1B gene, results from an A to C substitution at nucleotide position 699. The lysine at codon 233 is replaced by asparagine, an amino acid with similar properties. This amino acid position is conserved. In addition, this alteration is predicted to be tolerated by in silico analysis. Based on the available evidence, the clinical significance of this variant remains unclear.

Labcorp Genetics (formerly Invitae), Labcorp
Classification: Uncertain significance for Mosaic variegated aneuploidy syndrome 1. Last evaluated: 2020-10-13. Review status: criteria provided, single submitter. Criteria: Invitae Variant Classification Sherloc (09022015). Collection method: clinical testing. Allele origin: germline.
Comment: This sequence change replaces lysine with asparagine at codon 233 of the BUB1B protein (p.Lys233Asn). The lysine residue is weakly conserved and there is a moderate physicochemical difference between lysine and asparagine. In summary, the available evidence is currently insufficient to determine the role of this variant in disease. Therefore, it has been classified as a Variant of Uncertain Significance. Algorithms developed to predict the effect of missense changes on protein structure and function are either unavailable or do not agree on the potential impact of this missense change (SIFT: "Tolerated"; PolyPhen-2: "Possibly Damaging"; Align-GVGD: "Class C0"). This variant has not been reported in the literature in individuals with BUB1B-related conditions. This variant is not present in population databases (ExAC no frequency).

NM_001211.6(BUB1B):c.699A>C (p.Lys233Asn)

Gene: BUB1B (BUB1 mitotic checkpoint serine/threonine kinase B; plus strand). Cytogenetic location: 15q15.1.
Variant type: single nucleotide variant.
Coding change: c.699A>C on transcript NM_001211.6 (MANE Select); coding-DNA position 699, A replaced by C.
Protein change: p.Lys233Asn; replaces lysine 233 with asparagine.
Molecular consequence: missense variant.
Genome position (GRCh38, 1-based): chr15:40,183,831, A>C. VCF-style: chr15-40183831-A-C. GRCh37 (hg19) VCF-style: chr15-40476032-A-C.
Other names: c.699A>C (NM_001211.5); short protein forms K233N.
Identifiers: ClinVar variation 1061945 (VCV001061945.10), dbSNP rs2140889861, ClinGen allele CA391683420.